The following is an entry in ClinVar:

NM_145290.4(ADGRA3):c.1594G>A (p.Val532Ile)

Gene: ADGRA3 (adhesion G protein-coupled receptor A3; minus strand). Cytogenetic location: 4p15.2.
Variant type: single nucleotide variant.
Coding change: c.1594G>A on transcript NM_145290.4 (MANE Select); coding-DNA position 1594, G replaced by A.
Protein change: p.Val532Ile; replaces valine 532 with isoleucine.
Molecular consequence: missense variant.
Genome position (GRCh38, 1-based): chr4:22,424,202, C>T on the plus strand (G>A on the coding strand, the complement: ADGRA3 is on the minus strand). VCF-style: chr4-22424202-C-T. GRCh37 (hg19) VCF-style: chr4-22425825-C-T.
Other names: short protein forms V532I.
Identifiers: ClinVar variation 1501882 (VCV001501882.8), dbSNP rs564893051, ClinGen allele CA2873909.

ClinVar aggregate classification (germline): Uncertain significance (1 of 4 stars; one submission).

Allele frequency attached by ClinVar (database versions not stated): gnomAD 0.00001; gnomAD exomes 0.00001 and 0.00002; TOPMed 0.00002; ExAC 0.00003.
gnomAD v4.1: 22 of 1,610,068 alleles (0.0014%); highest among the groups gnomAD compares: Admixed American, 0.005%; no homozygotes.

Submission:

Labcorp Genetics (formerly Invitae), Labcorp
Classification: Uncertain significance. Last evaluated: 2022-02-22. Review status: criteria provided, single submitter. Criteria: Invitae Variant Classification Sherloc (09022015). Collection method: clinical testing. Allele origin: germline.
Comment: This variant has not been reported in the literature in individuals affected with ADGRA3-related conditions. Algorithms developed to predict the effect of missense changes on protein structure and function are either unavailable or do not agree on the potential impact of this missense change (SIFT: "Tolerated"; PolyPhen-2: "Possibly Damaging"; Align-GVGD: "Class C0"). In summary, the available evidence is currently insufficient to determine the role of this variant in disease. Therefore, it has been classified as a Variant of Uncertain Significance. This variant is present in population databases (rs564893051, gnomAD 0.006%). This sequence change replaces valine, which is neutral and non-polar, with isoleucine, which is neutral and non-polar, at codon 532 of the ADGRA3 protein (p.Val532Ile).